The following is an entry in ClinVar:

ClinVar aggregate classification (germline): Uncertain significance. Review status: criteria provided, multiple submitters, no conflicts (2 of 4 stars). 4 submissions from 4 submitters: Uncertain significance (4). Last evaluated 2026-05-24.

Conditions:
ACAN-related disorder. Also called: ACAN-related disorders; ACAN-related condition.

Allele frequency attached by ClinVar (database versions not stated): TOPMed below 0.00001.
gnomAD v4.1: 14 of 1,458,076 alleles (0.00096%); highest among the groups gnomAD compares: South Asian, 0.018%; no homozygotes.

Submissions (4):

PreventionGenetics, part of Exact Sciences
Classification: Uncertain significance for ACAN-related condition. Last evaluated: 2026-05-24. Review status: criteria provided, single submitter. Criteria: ACMG Guidelines, 2015. Collection method: clinical testing. Allele origin: germline.
Comment: The ACAN c.1408G>A variant is predicted to result in the amino acid substitution p.Gly470Arg. To our knowledge, this variant has not been reported in the literature or in a population database. At this time, the clinical significance of this variant is uncertain due to the absence of conclusive functional and genetic evidence.

Women's Health and Genetics/Laboratory Corporation of America, LabCorp
Classification: Uncertain significance. Last evaluated: 2025-03-29. Review status: criteria provided, single submitter. Criteria: LabCorp Variant Classification Summary - May 2015. Collection method: clinical testing. Allele origin: germline.
Comment: Variant summary: ACAN c.1408G>A (p.Gly470Arg) results in a non-conservative amino acid change in the encoded protein sequence. Four of five in-silico tools predict a damaging effect of the variant on protein function. The frequency data for this variant in gnomAD is considered unreliable, as metrics indicate poor data quality at this position. To our knowledge, no occurrence of c.1408G>A in individuals affected with ACAN-Related Disorders and no experimental evidence demonstrating its impact on protein function have been reported. ClinVar contains an entry for this variant (Variation ID: 2183382). Based on the evidence outlined above, the variant was classified as uncertain significance.

Labcorp Genetics (formerly Invitae), Labcorp
Classification: Uncertain significance. Last evaluated: 2024-09-16. Review status: criteria provided, single submitter. Criteria: Invitae Variant Classification Sherloc (09022015). Collection method: clinical testing. Allele origin: germline.
Comment: This sequence change replaces glycine, which is neutral and non-polar, with arginine, which is basic and polar, at codon 470 of the ACAN protein (p.Gly470Arg). This variant is not present in population databases (gnomAD no frequency). This variant has not been reported in the literature in individuals affected with ACAN-related conditions. ClinVar contains an entry for this variant (Variation ID: 2183382). Invitae Evidence Modeling of protein sequence and biophysical properties (such as structural, functional, and spatial information, amino acid conservation, physicochemical variation, residue mobility, and thermodynamic stability) indicates that this missense variant is not expected to disrupt ACAN protein function with a negative predictive value of 80%. In summary, the available evidence is currently insufficient to determine the role of this variant in disease. Therefore, it has been classified as a Variant of Uncertain Significance.

Blueprint Genetics
Classification: Uncertain significance. Last evaluated: 2023-08-14. Review status: criteria provided, single submitter. Criteria: ACMG Guidelines, 2015. Collection method: clinical testing. Allele origin: germline.

NM_001369268.1(ACAN):c.1408G>A (p.Gly470Arg)

Gene: ACAN (aggrecan; plus strand). Cytogenetic location: 15q26.1.
Variant type: single nucleotide variant.
Coding change: c.1408G>A on transcript NM_001369268.1 (MANE Select); coding-DNA position 1408, G replaced by A.
Protein change: p.Gly470Arg; replaces glycine 470 with arginine.
Molecular consequence: missense variant.
Genome position (GRCh38, 1-based): chr15:88,845,861, G>A. VCF-style: chr15-88845861-G-A. GRCh37 (hg19) VCF-style: chr15-89389092-G-A.
Other names: c.1408G>A (NM_013227.3); c.1408G>A, p.Gly470Arg (NM_001135.4, NM_001411096.1, NM_001411097.1 and 1 more transcripts); short protein forms G470R.
Identifiers: ClinVar variation 2183382 (VCV002183382.7), dbSNP rs1242006485, ClinGen allele CA393710290.